The following is an entry in ClinVar:

NM_000059.4(BRCA2):c.7955T>G (p.Val2652Gly)

Gene: BRCA2 (BRCA2 DNA repair associated; plus strand). Cytogenetic location: 13q13.1.
Variant type: single nucleotide variant.
Coding change: c.7955T>G on transcript NM_000059.4 (MANE Select); coding-DNA position 7955, T replaced by G.
Protein change: p.Val2652Gly; replaces valine 2652 with glycine.
Molecular consequence: missense variant.
Genome position (GRCh38, 1-based): chr13:32,362,672, T>G. VCF-style: chr13-32362672-T-G. GRCh37 (hg19) VCF-style: chr13-32936809-T-G.
Other names: NP_000050.3:p.Val2652Gly; NM_000059.4(BRCA2):c.7955T>G; p.Val2652Gly; short protein forms V2652G.
Identifiers: ClinVar variation 489784 (VCV000489784.32), dbSNP rs1555286868, ClinGen allele CA387747262.

ClinVar aggregate classification (germline): Likely pathogenic. Review status: reviewed by expert panel (3 of 4 stars). 6 submissions from 6 submitters: Likely pathogenic (1). 5 of the submissions do not count toward it. Last evaluated 2025-12-02.

Conditions:
Hereditary cancer-predisposing syndrome. Also called: Tumor predisposition; Hereditary neoplastic syndrome; Neoplastic Syndromes, Hereditary; Hereditary Cancer Syndrome. Identifiers: Orphanet 140162, MedGen C0027672, MeSH D009386, MONDO:0015356.
BRCA2-related cancer predisposition. Identifiers: MedGen CN377758, MONDO:0700269.
Hereditary breast ovarian cancer syndrome. Also called: BRCA1- and BRCA2-Associated Hereditary Breast and Ovarian Cancer; Hereditary breast and/or ovarian cancer syndrome; Hereditary breast and ovarian cancer; Hereditary breast and ovarian cancer syndrome (HBOC); Breast and ovarian cancer; Hereditary breast and ovarian cancer syndrome. Identifiers: Orphanet 145, MedGen C0677776, MeSH D061325, MONDO:0003582. Disease mechanism: loss of function.

Allele frequency attached by ClinVar (database versions not stated): gnomAD exomes below 0.00001.
gnomAD v4.1: 1 of 1,614,144 alleles (0.000062%); highest among the groups gnomAD compares: East Asian, 0.0022%; no homozygotes.

Submissions (6):

ClinGen ENIGMA BRCA1 and BRCA2 Variant Curation Expert Panel, ClinGen
Classification: Likely pathogenic for BRCA2-related cancer predisposition. Last evaluated: 2025-12-02. Review status: reviewed by expert panel. Criteria: CSpec BRCA12ACMG Rules Specifications V1.1. Collection method: curation. Allele origin: germline. Inheritance: Autosomal dominant inheritance.
Comment: The c.7955T>G variant in BRCA2 is a missense variant predicted to cause substitution of Valine by Glycine at amino acid 2652 (p.(Val2652Gly)). This variant is absent from gnomAD v2.1 (exomes only, non-cancer subset, read depth ≥25) and gnomAD v3.1 (non-cancer subset, read depth ≥25) (PM2_Supporting met). Reported by five calibrated studies to exhibit protein function similar to pathogenic control variants (PMIDs:38417439, 32444794, 35190686, 39779857, 39779848) (PS3 met). This BRCA2 missense variant is within a key functional domain and the computational predictor BayesDel (noAF) gives a score of 0.42, above the recommended threshold of 0.30 for prediction of impact on BRCA2 function via protein change. A SpliceAI score of 0.01 predicts no impact on splicing (score threshold <0.10) (PP3 met). In summary, this variant meets the criteria to be classified as a Likely pathogenic variant for BRCA2-related cancer predisposition based on the ACMG/AMP criteria applied as specified by the ENIGMA BRCA1/2 VCEP (PM2_Supporting, PS3, PP3).

Ambry Genetics
Classification: Likely pathogenic for Hereditary cancer-predisposing syndrome. Last evaluated: 2026-05-21. Review status: criteria provided, single submitter. Criteria: Ambry Variant Classification Scheme 2023. Collection method: clinical testing. Allele origin: germline. Not counted in ClinVar's aggregate classification.
Comment: The p.V2652G variant (also known as c.7955T>G), located in coding exon 16 of the BRCA2 gene, results from a T to G substitution at nucleotide position 7955. The valine at codon 2652 is replaced by glycine, an amino acid with dissimilar properties. This variant was non-functional in a homology-directed DNA repair (HDR) assay (Richardson ME et al. Am J Hum Genet, 2021 Mar;108:458-468). Two saturation genome editing-based studies, including a haploid cell-survival assay and a humanized mouse embryonic stem cell line assay of drug response and survival, demonstrate that this nucleotide substitution is non-functional (Huang H et al. Nature. 2025 Feb;638(8050):528-537; Sahu S et al. Nature. 2025 Feb;638(8050):538-545). This amino acid position is highly conserved in available vertebrate species. In addition, this alteration is predicted to be deleterious by in silico analysis. This variant is considered to be rare based on population cohorts in the Genome Aggregation Database (gnomAD). Based on the majority of available evidence to date, this variant is likely to be pathogenic.

Molecular Diagnostics Laboratory, Catalan Institute of Oncology
Classification: Likely pathogenic for Hereditary cancer-predisposing syndrome. Last evaluated: 2024-09-19. Review status: criteria provided, single submitter. Criteria: ClinGen BRCA1BRCA2 ACMG Specifications BRCA2 V1.0.0. Collection method: clinical testing. Allele origin: germline. Not counted in ClinVar's aggregate classification.
Comment: PM2_Supporting, PP3, PS3 c.7955T>G, located in exon 17 of the BRCA2 gene, is predicted to result in the substitution of valine by glycine at codon 2652, p.(Val2652Gly).It is not present in the population database gnomAD v2.1.1, non cancer dataset (PM2_supporting). The SpliceAI algorithm predicts no significant impact on splicing. The BayesDel_noAF score for this variant (0,415) suggests a deleterious effect on protein function (PP3). This missense change has been observed in individual (s) with BRCA2-related cancers (PMID: 34218100, 35464868 and internal data). This variant has been reported in the ClinVar database (3x likely pathogenic) and in the LOVD database (1x likely pathogenic, 1x uncertain significance) but remains not yet reviewed in BRCA Exchange database. Reported by two calibrated studies to affect protein function similar to pathogenic control variants (PMIDs:33609447, 32444794) (PS3). Based on currently available information, c.7955T>G is classified as a likely pathogenic variant according to ClinGen- BRCA1 and BRCA2 Guidelines version 1.0.0.

Color Diagnostics, LLC DBA Color Health
Classification: Likely pathogenic for Hereditary cancer-predisposing syndrome. Last evaluated: 2024-09-16. Review status: criteria provided, single submitter. Criteria: ACMG Guidelines, 2015. Collection method: clinical testing. Allele origin: germline. Not counted in ClinVar's aggregate classification.
Comment: This missense variant replaces valine with glycine at codon 2652 of the BRCA2 protein. Computational prediction suggests that this variant may have deleterious impact on protein structure and function. Functional studies have reported that this variant impacts BRCA2 function in homology-directed DNA repair, haploidized cell proliferation, and PARP and ADP-ribose inhibitor sensitivity assays (PMID: 32444794, 33609447, 35190686, 35736817). This variant has been reported in at least two hereditary breast cancer families including detection in an affected carrier (PMID: 34218100, 35464868), and it has been reported to segregate with disease in one family (ClinVar accession: SCV001382659.5). This variant has not been identified in the general population by the Genome Aggregation Database (gnomAD). Based on the available evidence, this variant is classified as Likely Pathogenic.

Labcorp Genetics (formerly Invitae), Labcorp
Classification: Likely pathogenic for Hereditary breast ovarian cancer syndrome. Last evaluated: 2024-04-09. Review status: criteria provided, single submitter. Criteria: Invitae Variant Classification Sherloc (09022015). Collection method: clinical testing. Allele origin: germline. Not counted in ClinVar's aggregate classification.
Comment: This sequence change replaces valine, which is neutral and non-polar, with glycine, which is neutral and non-polar, at codon 2652 of the BRCA2 protein (p.Val2652Gly). This variant is not present in population databases (gnomAD no frequency). This missense change has been observed in individual(s) with BRCA2-related cancers (PMID: 34218100, 35464868; external communication). It has also been observed to segregate with disease in related individuals. ClinVar contains an entry for this variant (Variation ID: 489784). Advanced modeling performed at Invitae incorporating data from internal and/or published experimental studies (PMID: 33609447) indicates that this missense variant is expected to disrupt BRCA2 function with a positive predictive value of 95%. In summary, the currently available evidence indicates that the variant is pathogenic, but additional data are needed to prove that conclusively. Therefore, this variant has been classified as Likely Pathogenic.

National Health Laboratory Service, Universitas Academic Hospital and University of the Free State
Classification: Likely pathogenic for Hereditary breast ovarian cancer syndrome. Last evaluated: 2021-11-16. Review status: criteria provided, single submitter. Criteria: ACMG Guidelines, 2015. Collection method: clinical testing. Allele origin: germline. Affected: yes. Observed: 2 variant alleles. Not counted in ClinVar's aggregate classification.

Literature cited by the submitters: PubMed 33609447 (cited by 3 submitters); PubMed 35464868 (cited by 3 submitters); PubMed 32444794 (cited by Color Diagnostics, LLC DBA Color Health); PubMed 34218100 (cited by Color Diagnostics, LLC DBA Color Health and Labcorp Genetics (formerly Invitae), Labcorp); PubMed 35190686 (cited by Color Diagnostics, LLC DBA Color Health); PubMed 35736817 (cited by Color Diagnostics, LLC DBA Color Health); DOI 10.3389/fgene.2022.834265 (cited by National Health Laboratory Service, Universitas Academic Hospital and University of the Free State).